The following is an entry in ClinVar:

ClinVar aggregate classification (germline): Uncertain significance (1 of 4 stars; one submission).

Conditions:
Hereditary breast ovarian cancer syndrome. Also called: Hereditary breast and ovarian cancer; Hereditary breast and ovarian cancer syndrome; Breast and ovarian cancer; BRCA1- and BRCA2-Associated Hereditary Breast and Ovarian Cancer; Hereditary breast and ovarian cancer syndrome (HBOC); Hereditary breast and/or ovarian cancer syndrome. Identifiers: Orphanet 145, MedGen C0677776, MeSH D061325, MONDO:0003582. Disease mechanism: loss of function.

Submission:

Labcorp Genetics (formerly Invitae), Labcorp
Classification: Uncertain significance for Hereditary breast ovarian cancer syndrome. Last evaluated: 2023-08-23. Review status: criteria provided, single submitter. Criteria: Invitae Variant Classification Sherloc (09022015). Collection method: clinical testing. Allele origin: germline.
Comment: Advanced modeling of protein sequence and biophysical properties (such as structural, functional, and spatial information, amino acid conservation, physicochemical variation, residue mobility, and thermodynamic stability) performed at Invitae indicates that this missense variant is not expected to disrupt BRCA2 protein function. This sequence change replaces aspartic acid, which is acidic and polar, with glutamic acid, which is acidic and polar, at codon 707 of the BRCA2 protein (p.Asp707Glu). This variant is not present in population databases (gnomAD no frequency). This variant has not been reported in the literature in individuals affected with BRCA2-related conditions. In summary, the available evidence is currently insufficient to determine the role of this variant in disease. Therefore, it has been classified as a Variant of Uncertain Significance.

NM_000059.4(BRCA2):c.2121T>G (p.Asp707Glu)

Gene: BRCA2 (BRCA2 DNA repair associated; plus strand). Cytogenetic location: 13q13.1.
Variant type: single nucleotide variant.
Coding change: c.2121T>G on transcript NM_000059.4 (MANE Select); coding-DNA position 2121, T replaced by G.
Protein change: p.Asp707Glu; replaces aspartic acid 707 with glutamic acid.
Molecular consequence: missense variant. On other transcripts: non-coding transcript variant (1), intron variant (2).
Genome position (GRCh38, 1-based): chr13:32,336,476, T>G. VCF-style: chr13-32336476-T-G. GRCh37 (hg19) VCF-style: chr13-32910613-T-G.
Other names: c.2121T>G, p.Asp707Glu (NM_001406719.1, NM_001406720.1); c.1909+3089T>G (NM_001406721.1); c.424+5446T>G (NM_001406722.1); short protein forms D707E.
Identifiers: ClinVar variation 2754590 (VCV002754590.3), dbSNP rs1555282456, ClinGen allele CA387770028.
Genomic context (GRCh38, chr13:32,336,476, plus strand): 5'-TTATAAAGAAGCAAAATGTAATAAGGAAAAACTACAGTTATTTATTACCCCAGAAGCTGA[T>G]TCTCTGTCATGCCTGCAGGAAGGACAGTGTGAAAATGATCCAAAAAGCAAAAAAGTTTCA-3'
Protein context (NP_000050.3, residues 697-717): KLQLFITPEA[Asp707Glu]SLSCLQEGQC